The following is an entry in ClinVar:

NM_014991.6(WDFY3):c.6803C>T (p.Thr2268Ile)

Gene: WDFY3 (WD repeat and FYVE domain containing 3; minus strand). Cytogenetic location: 4q21.23.
Variant type: single nucleotide variant.
Coding change: c.6803C>T on transcript NM_014991.6 (MANE Select); coding-DNA position 6803, C replaced by T.
Protein change: p.Thr2268Ile; replaces threonine 2268 with isoleucine.
Molecular consequence: missense variant.
Genome position (GRCh38, 1-based): chr4:84,736,282, G>A on the plus strand (C>T on the coding strand, the complement: WDFY3 is on the minus strand). VCF-style: chr4-84736282-G-A. GRCh37 (hg19) VCF-style: chr4-85657435-G-A.
Other names: short protein forms T2268I.
Identifiers: ClinVar variation 2502686 (VCV002502686.1), dbSNP rs2531973808, ClinGen allele CA357551581.

ClinVar aggregate classification (germline): Uncertain significance (1 of 4 stars; one submission).

Allele frequency attached by ClinVar (database versions not stated): gnomAD exomes below 0.00001.
gnomAD v4.1: 1 of 1,611,948 alleles (0.000062%); highest among the groups gnomAD compares: Non-Finnish European, 0.000085%; no homozygotes.

Submission:

GeneDx
Classification: Uncertain significance. Last evaluated: 2022-11-16. Review status: criteria provided, single submitter. Criteria: GeneDx Variant Classification Process June 2021. Collection method: clinical testing. Allele origin: germline. Affected: yes.
Comment: Not observed at significant frequency in large population cohorts (gnomAD); In silico analysis supports that this missense variant does not alter protein structure/function; Has not been previously published as pathogenic or benign to our knowledge